The following is an entry in ClinVar:

ClinVar aggregate classification (germline): Uncertain significance (1 of 4 stars; one submission).

Submission:

Greenwood Genetic Center Diagnostic Laboratories, Greenwood Genetic Center
Classification: Uncertain significance. Last evaluated: 2026-04-01. Review status: criteria provided, single submitter. Criteria: ACMG Guidelines, 2015. Collection method: clinical testing. Allele origin: germline.
Comment: PM2, PP3

NM_015047.3(EMC1):c.2821G>C (p.Asp941His)

Genes: EMC1 (ER membrane protein complex subunit 1; minus strand), EMC1-AS1 (EMC1 antisense RNA 1; plus strand). Cytogenetic location: 1p36.13.
Variant type: single nucleotide variant.
Coding change: c.2821G>C on transcript NM_015047.3 (MANE Select); coding-DNA position 2821, G replaced by C.
Protein change: p.Asp941His; replaces aspartic acid 941 with histidine.
Molecular consequence: missense variant.
Genome position (GRCh38, 1-based): chr1:19,219,464, C>G on the plus strand (G>C on the coding strand, the complement: EMC1 is on the minus strand). VCF-style: chr1-19219464-C-G. GRCh37 (hg19) VCF-style: chr1-19545958-C-G.
Other names: c.2818G>C, p.Asp940His (NM_001271427.2, NM_001271428.2); c.2755G>C, p.Asp919His (NM_001271429.2); c.2830G>C, p.Asp944His (NM_001375820.1); c.2827G>C, p.Asp943His (NM_001375821.1); short protein forms D919H, D940H, D941H, D943H, D944H.
Identifiers: ClinVar variation 4891217 (VCV004891217.1).
Genomic context (GRCh38, chr1:19,219,464, plus strand): 5'-CATAGTCATCCTTCAGAACGTCAAACTGCTTGGATGGGTAGACTCGAGTTTGGTAAATGT[C>G]CAAACCATAGGCCACAACCTGGAAGGCAGATGGAATAAGAATTAGGAAAGAAACAACCAA-3'
Protein context (NP_055862.1, residues 931-951): STCLVVAYGL[Asp941His]IYQTRVYPSK